The following is an entry in ClinVar:

NM_000540.3(RYR1):c.14131T>C (p.Ser4711Pro)

Gene: RYR1 (ryanodine receptor 1; plus strand). Cytogenetic location: 19q13.2.
Variant type: single nucleotide variant.
Coding change: c.14131T>C on transcript NM_000540.3 (MANE Select); coding-DNA position 14131, T replaced by C.
Protein change: p.Ser4711Pro; replaces serine 4711 with proline.
Molecular consequence: missense variant.
Genome position (GRCh38, 1-based): chr19:38,575,920, T>C. VCF-style: chr19-38575920-T-C. GRCh37 (hg19) VCF-style: chr19-39066560-T-C.
Other names: c.14116T>C, p.Ser4706Pro (NM_001042723.2); short protein forms S4706P, S4711P.
Identifiers: ClinVar variation 3073149 (VCV003073149.2), dbSNP rs1300537682, ClinGen allele CA405683237.

ClinVar aggregate classification (germline): Uncertain significance (1 of 4 stars; one submission).

Conditions:
Malignant hyperthermia, susceptibility to, 1 (MHS1). Also called: Anesthesia related hyperthermia; Malignant hyperpyrexia; Fulminating hyperpyrexia; Pharmacogenic myopathy; RYR1-Related Malignant Hyperthermia Susceptibility; Malignant hyperthermia suceptibility 1. Identifiers: Orphanet 423, MedGen C2930980, MONDO:0007783, OMIM 145600.

Allele frequency attached by ClinVar (database versions not stated): gnomAD exomes below 0.00001.
gnomAD v4.1: 2 of 1,614,182 alleles (0.00012%); highest among the groups gnomAD compares: Non-Finnish European, 0.000085%; no homozygotes.

Submission:

All of Us Research Program, National Institutes of Health
Classification: Uncertain significance for Malignant hyperthermia, susceptibility to, 1. Last evaluated: 2024-03-24. Review status: criteria provided, single submitter. Criteria: ACMG Guidelines, 2015. Collection method: clinical testing. Allele origin: germline. Inheritance: Autosomal dominant inheritance. Observed: 2 variant alleles, 2 heterozygotes.
Comment: This missense variant replaces serine with proline at codon 4711 of the RYR1 protein. Computational prediction suggests that this variant may have deleterious impact on protein structure and function (internally defined REVEL score threshold >= 0.7, PMID: 27666373). To our knowledge, functional studies have not been reported for this variant. This variant has not been reported in individuals affected with RYR1-related disorders in the literature. This variant has been identified in 1/251444 chromosomes in the general population by the Genome Aggregation Database (gnomAD). The available evidence is insufficient to determine the role of this variant in disease conclusively. Therefore, this variant is classified as a Variant of Uncertain Significance.

This study involves interpretation of variants in research participants for the purpose of population health screening. Participant phenotype was not available at the time of variant classification. Additional details can be found in publication PMID: 35346344, PMCID: PMC8962531